The following is an entry in ClinVar:

ClinVar aggregate classification (germline): Likely benign. Review status: criteria provided, single submitter (1 of 4 stars). 2 submissions from 2 submitters: Likely benign (1). 1 of the submissions does not count toward it. Last evaluated 2023-03-13.

Conditions:
GABRG2-related disorder. Also called: GABRG2-related condition.

Allele frequency attached by ClinVar (database versions not stated): gnomAD 0.00004; gnomAD exomes 0.00006; TOPMed 0.00006; ExAC 0.00012.
gnomAD v4.1: 98 of 1,611,542 alleles (0.0061%); highest among the groups gnomAD compares: Non-Finnish European, 0.0078%; no homozygotes.

Submissions (2):

Blueprint Genetics
Classification: Likely benign. Last evaluated: 2023-03-13. Review status: criteria provided, single submitter. Criteria: ACMG Guidelines, 2015. Collection method: clinical testing. Allele origin: germline.

PreventionGenetics, part of Exact Sciences
Classification: Likely benign for GABRG2-related condition. Last evaluated: 2019-06-13. Review status: no assertion criteria provided. Collection method: clinical testing. Allele origin: germline. Not counted in ClinVar's aggregate classification.
Comment: This variant is classified as likely benign based on ACMG/AMP sequence variant interpretation guidelines (Richards et al. 2015 PMID: 25741868, with internal and published modifications).

NM_198904.4(GABRG2):c.1131T>G (p.Leu377=)

Gene: GABRG2 (gamma-aminobutyric acid type A receptor subunit gamma2; plus strand). Cytogenetic location: 5q34.
Variant type: single nucleotide variant.
Coding change: c.1131T>G on transcript NM_198904.4 (MANE Select); coding-DNA position 1131, T replaced by G.
Protein change: p.Leu377=; no amino-acid change (leucine 377 retained).
Molecular consequence: synonymous variant. On other transcripts: missense variant (1), intron variant (6).
Genome position (GRCh38, 1-based): chr5:162,151,732, T>G. VCF-style: chr5-162151732-T-G. GRCh37 (hg19) VCF-style: chr5-161578738-T-G.
Other names: c.1122T>G, p.Leu374= (NM_001375339.1); c.925T>G, p.Ser309Ala (NM_001375340.1); c.1128T>G, p.Leu376= (NM_001375341.1); c.1170T>G, p.Leu390= (NM_001375344.1); c.1065T>G, p.Leu355= (NM_001375346.1); c.1044T>G, p.Leu348= (NM_001375347.1); c.711T>G, p.Leu237= (NM_001375350.1); c.1251T>G, p.Leu417= (NM_198903.2); and 6 more; short protein forms S309A.
Identifiers: ClinVar variation 3033818 (VCV003033818.3), dbSNP rs780368645, ClinGen allele CA3544918.
Genomic context (GRCh38, chr5:162,151,732, plus strand): 5'-TTTTTCTCCTTTTTATTAAAAACAAATGCAATTCTCTTTTCTGTCTACAAACCCAAAGCT[T>G]CTTCGGATGTTTTCCTTCAAGGTATAATGTTTTTGGAATGGAAATTCACTGCATGCAACT-3'
Protein context (NP_944494.1, residues 367-387): KDKDKKKKNP[Leu377=]LRMFSFKAPT